The following is an entry in ClinVar:

ClinVar aggregate classification (germline): Uncertain significance (1 of 4 stars; one submission).

gnomAD v4.1: 3 of 1,614,098 alleles (0.00019%); highest among the groups gnomAD compares: Admixed American, 0.005%; no homozygotes.

Submission:

Labcorp Genetics (formerly Invitae), Labcorp
Classification: Uncertain significance. Last evaluated: 2025-04-03. Review status: criteria provided, single submitter. Criteria: Invitae Variant Classification Sherloc (09022015). Collection method: clinical testing. Allele origin: germline.
Comment: This sequence change replaces phenylalanine, which is neutral and non-polar, with cysteine, which is neutral and slightly polar, at codon 630 of the NLRP1 protein (p.Phe630Cys). This variant is present in population databases (no rsID available, gnomAD 0.003%). This variant has not been reported in the literature in individuals affected with NLRP1-related conditions. An algorithm developed to predict the effect of missense changes on protein structure and function (PolyPhen-2) suggests that this variant is likely to be disruptive. In summary, the available evidence is currently insufficient to determine the role of this variant in disease. Therefore, it has been classified as a Variant of Uncertain Significance.

NM_033004.4(NLRP1):c.1889T>G (p.Phe630Cys)

Gene: NLRP1 (NLR family pyrin domain containing 1; minus strand). Cytogenetic location: 17p13.2.
Variant type: single nucleotide variant.
Coding change: c.1889T>G on transcript NM_033004.4 (MANE Select); coding-DNA position 1889, T replaced by G.
Protein change: p.Phe630Cys; replaces phenylalanine 630 with cysteine.
Molecular consequence: missense variant.
Genome position (GRCh38, 1-based): chr17:5,558,807, A>C on the plus strand (T>G on the coding strand, the complement: NLRP1 is on the minus strand). VCF-style: chr17-5558807-A-C. GRCh37 (hg19) VCF-style: chr17-5462127-A-C.
Other names: c.1889T>G, p.Phe630Cys (NM_001033053.3, NM_014922.5, NM_033006.4 and 1 more transcripts); short protein forms F630C.
Identifiers: ClinVar variation 4767121 (VCV004767121.1).